The following is an entry in ClinVar:

ClinVar aggregate classification (germline): Conflicting classifications of pathogenicity. Review status: criteria provided, conflicting classifications (1 of 4 stars). 4 submissions from 4 submitters: Uncertain significance (3); Likely benign (1). Last evaluated 2025-09-26.

Conditions:
Inborn genetic diseases. Identifiers: MedGen C0950123, MeSH D030342.
Pyruvate dehydrogenase phosphatase deficiency (PDHPD). Also called: LACTIC ACIDEMIA WITH PYRUVATE DEHYDROGENASE PHOSPHATASE DEFICIENCY. Identifiers: Orphanet 79246, MedGen C1837429, MONDO:0012120, OMIM 608782.

Allele frequency attached by ClinVar (database versions not stated): ExAC 0.00003; TOPMed 0.00003; gnomAD exomes 0.00006.
gnomAD v4.1: 86 of 1,613,222 alleles (0.0053%); highest among the groups gnomAD compares: South Asian, 0.038%; 1 homozygote.

Submissions (4):

Ambry Genetics
Classification: Uncertain significance for Inborn genetic diseases. Last evaluated: 2025-09-26. Review status: criteria provided, single submitter. Criteria: Ambry Variant Classification Scheme 2023. Collection method: clinical testing. Allele origin: germline.

Labcorp Genetics (formerly Invitae), Labcorp
Classification: Uncertain significance. Last evaluated: 2022-07-09. Review status: criteria provided, single submitter. Criteria: Invitae Variant Classification Sherloc (09022015). Collection method: clinical testing. Allele origin: germline.
Comment: Algorithms developed to predict the effect of missense changes on protein structure and function are either unavailable or do not agree on the potential impact of this missense change (SIFT: "Tolerated"; PolyPhen-2: "Possibly Damaging"; Align-GVGD: "Class C0"). In summary, the available evidence is currently insufficient to determine the role of this variant in disease. Therefore, it has been classified as a Variant of Uncertain Significance. ClinVar contains an entry for this variant (Variation ID: 214971). This sequence change replaces alanine, which is neutral and non-polar, with valine, which is neutral and non-polar, at codon 532 of the PDP1 protein (p.Ala532Val). This variant is present in population databases (rs768767735, gnomAD 0.03%). This variant has not been reported in the literature in individuals affected with PDP1-related conditions.

Department of Pathology and Laboratory Medicine, Sinai Health System
Classification: Uncertain significance for Pyruvate dehydrogenase phosphatase deficiency. Last evaluated: 2021-07-30. Review status: criteria provided, single submitter. Criteria: ACMG Guidelines, 2015. Collection method: research. Allele origin: germline.

GeneDx
Classification: Likely benign. Last evaluated: 2013-05-05. Review status: criteria provided, single submitter. Criteria: GeneDx Variant Classification (06012015). Collection method: clinical testing. Allele origin: germline. Affected: yes.
Comment: The variant is found in MITONUC-MITOP panel(s).

NM_018444.4(PDP1):c.1595C>T (p.Ala532Val)

Gene: PDP1 (pyruvate dehydrogenase phosphatase catalytic subunit 1; plus strand). Cytogenetic location: 8q22.1.
Variant type: single nucleotide variant.
Coding change: c.1595C>T on transcript NM_018444.4 (MANE Select); coding-DNA position 1595, C replaced by T.
Protein change: p.Ala532Val; replaces alanine 532 with valine.
Molecular consequence: missense variant.
Genome position (GRCh38, 1-based): chr8:93,923,654, C>T. VCF-style: chr8-93923654-C-T. GRCh37 (hg19) VCF-style: chr8-94935882-C-T.
Other names: p.A591V:GCG>GTG; c.1595C>T (NM_018444.3); c.1670C>T, p.Ala557Val (NM_001161779.2, NM_001161780.2); c.1595C>T, p.Ala532Val (NM_001161781.2); short protein forms A557V, A532V.
Identifiers: ClinVar variation 214971 (VCV000214971.7), dbSNP rs768767735, ClinGen allele CA4808856.